The following is an entry in ClinVar:

NM_000388.4(CASR):c.2952G>C (p.Lys984Asn)

Gene: CASR (calcium sensing receptor; plus strand). Cytogenetic location: 3q21.1.
Variant type: single nucleotide variant.
Coding change: c.2952G>C on transcript NM_000388.4 (MANE Select); coding-DNA position 2952, G replaced by C.
Protein change: p.Lys984Asn; replaces lysine 984 with asparagine.
Molecular consequence: missense variant.
Genome position (GRCh38, 1-based): chr3:122,284,906, G>C. VCF-style: chr3-122284906-G-C. GRCh37 (hg19) VCF-style: chr3-122003753-G-C.
Other names: c.2982G>C, p.Lys994Asn (NM_001178065.2); short protein forms K984N, K994N.
Identifiers: ClinVar variation 1717796 (VCV001717796.6), dbSNP rs2107651573, ClinGen allele CA354161131.
Genomic context (GRCh38, chr3:122,284,906, plus strand): 5'-GAAGGTCATCTTTGGCAGCGGCACGGTCACCTTCTCACTGAGCTTTGATGAGCCTCAGAA[G>C]AACGCCATGGCCCACAGGAATTCTACGCACCAGAACTCCCTGGAGGCCCAGAAAAGCAGC-3'
Protein context (NP_000379.3, residues 974-994): TFSLSFDEPQ[Lys984Asn]NAMAHRNSTH

ClinVar aggregate classification (germline): Uncertain significance (1 of 4 stars; one submission).

Conditions:
Familial hypocalciuric hypercalcemia (FHH). Also called: Familial benign hypercalcemia. Identifiers: Orphanet 405, MedGen C1809471, MONDO:0018458.
Autosomal dominant hypocalcemia 1 (HYPOC1). Also called: HYPOCALCEMIA, FAMILIAL. Identifiers: MedGen C3715128, MONDO:0011013, OMIM 601198.

Submission:

Labcorp Genetics (formerly Invitae), Labcorp
Classification: Uncertain significance for Familial hypocalciuric hypercalcemia; Autosomal dominant hypocalcemia 1. Last evaluated: 2022-08-22. Review status: criteria provided, single submitter. Criteria: Invitae Variant Classification Sherloc (09022015). Collection method: clinical testing. Allele origin: germline.
Comment: This variant is not present in population databases (gnomAD no frequency). In summary, the available evidence is currently insufficient to determine the role of this variant in disease. Therefore, it has been classified as a Variant of Uncertain Significance. Algorithms developed to predict the effect of missense changes on protein structure and function (SIFT, PolyPhen-2, Align-GVGD) all suggest that this variant is likely to be disruptive. This variant has not been reported in the literature in individuals affected with CASR-related conditions. This sequence change replaces lysine, which is basic and polar, with asparagine, which is neutral and polar, at codon 984 of the CASR protein (p.Lys984Asn).